The following is an entry in ClinVar:

NM_002439.5(MSH3):c.479T>C (p.Phe160Ser)

Gene: MSH3 (mutS homolog 3; plus strand). Cytogenetic location: 5q14.1.
Variant type: single nucleotide variant.
Coding change: c.479T>C on transcript NM_002439.5 (MANE Select); coding-DNA position 479, T replaced by C.
Protein change: p.Phe160Ser; replaces phenylalanine 160 with serine.
Molecular consequence: missense variant.
Genome position (GRCh38, 1-based): chr5:80,665,263, T>C. VCF-style: chr5-80665263-T-C. GRCh37 (hg19) VCF-style: chr5-79961082-T-C.
Other names: short protein forms F160S.
Identifiers: ClinVar variation 1743169 (VCV001743169.2), dbSNP rs989487112, ClinGen allele CA360263734.

ClinVar aggregate classification (germline): Uncertain significance (1 of 4 stars; one submission).

Conditions:
Hereditary cancer-predisposing syndrome. Also called: Hereditary Cancer Syndrome; Neoplastic Syndromes, Hereditary; Tumor predisposition; Hereditary neoplastic syndrome. Identifiers: Orphanet 140162, MedGen C0027672, MeSH D009386, MONDO:0015356.

Submission:

Ambry Genetics
Classification: Uncertain significance for Hereditary cancer-predisposing syndrome. Last evaluated: 2020-12-02. Review status: criteria provided, single submitter. Criteria: Ambry Variant Classification Scheme 2023. Collection method: clinical testing. Allele origin: germline.
Comment: The p.F160S variant (also known as c.479T>C), located in coding exon 3 of the MSH3 gene, results from a T to C substitution at nucleotide position 479. The phenylalanine at codon 160 is replaced by serine, an amino acid with highly dissimilar properties. This amino acid position is well conserved in available vertebrate species. In addition, this alteration is predicted to be tolerated by in silico analysis. Since supporting evidence is limited at this time, the clinical significance of this alteration remains unclear.